The following is an entry in ClinVar:

NM_012418.4(FSCN2):c.256C>T (p.Arg86Cys)

Gene: FSCN2 (fascin actin-bundling protein 2, retinal; plus strand). Cytogenetic location: 17q25.3.
Variant type: single nucleotide variant.
Coding change: c.256C>T on transcript NM_012418.4 (MANE Select); coding-DNA position 256, C replaced by T.
Protein change: p.Arg86Cys; replaces arginine 86 with cysteine.
Molecular consequence: missense variant.
Genome position (GRCh38, 1-based): chr17:81,528,787, C>T. VCF-style: chr17-81528787-C-T. GRCh37 (hg19) VCF-style: chr17-79495813-C-T.
Other names: c.256C>T, p.Arg86Cys (NM_001077182.3); c.256C>T (NM_001077182.2); short protein forms R86C.
Identifiers: ClinVar variation 1517549 (VCV001517549.10), dbSNP rs782272921, ClinGen allele CA8836626.
Genomic context (GRCh38, chr17:81,528,787, plus strand): 5'-GGCCGCTACCTGTCGGCAGAAGAGGACGGGCGCGTGGCCTGTGAGGCAGAGCAGCCGGGC[C>T]GTGACTGCCGCTTCCTGGTCCTGCCGCAGCCAGATGGGCGCTGGGTGCTGCGGTCCGAGC-3'
Protein context (NP_036550.1, residues 76-96): RVACEAEQPG[Arg86Cys]DCRFLVLPQP

ClinVar aggregate classification (germline): Uncertain significance. Review status: criteria provided, multiple submitters, no conflicts (2 of 4 stars). 2 submissions from 2 submitters: Uncertain significance (2). Last evaluated 2025-12-08.

Allele frequency attached by ClinVar (database versions not stated): gnomAD exomes 0.00003; ExAC 0.00005; gnomAD 0.00005 and 0.00006; TOPMed 0.00006.

Submissions (2):

Labcorp Genetics (formerly Invitae), Labcorp
Classification: Uncertain significance. Last evaluated: 2025-12-08. Review status: criteria provided, single submitter. Criteria: Invitae Variant Classification Sherloc (09022015). Collection method: clinical testing. Allele origin: germline.
Comment: This sequence change replaces arginine, which is basic and polar, with cysteine, which is neutral and slightly polar, at codon 86 of the FSCN2 protein (p.Arg86Cys). This variant is present in population databases (rs782272921, gnomAD 0.008%). This variant has not been reported in the literature in individuals affected with FSCN2-related conditions. ClinVar contains an entry for this variant (Variation ID: 1517549). An algorithm developed to predict the effect of missense changes on protein structure and function (PolyPhen-2) suggests that this variant is likely to be disruptive. In summary, the available evidence is currently insufficient to determine the role of this variant in disease. Therefore, it has been classified as a Variant of Uncertain Significance.

Ambry Genetics
Classification: Uncertain significance. Last evaluated: 2025-11-03. Review status: criteria provided, single submitter. Criteria: Ambry Variant Classification Scheme 2023. Collection method: clinical testing. Allele origin: germline.